The following is an entry in ClinVar:

NM_001165963.4(SCN1A):c.2303C>T (p.Pro768Leu)

Gene: SCN1A (sodium voltage-gated channel alpha subunit 1; minus strand). Cytogenetic location: 2q24.3.
Variant type: single nucleotide variant.
Coding change: c.2303C>T on transcript NM_001165963.4 (MANE Select); coding-DNA position 2303, C replaced by T.
Protein change: p.Pro768Leu; replaces proline 768 with leucine.
Molecular consequence: missense variant. On other transcripts: 5 prime UTR variant (1), non-coding transcript variant (1).
Genome position (GRCh38, 1-based): chr2:166,041,343, G>A on the plus strand (C>T on the coding strand, the complement: SCN1A is on the minus strand). VCF-style: chr2-166041343-G-A. GRCh37 (hg19) VCF-style: chr2-166897853-G-A.
Other names: NM_001165963.4(SCN1A):c.2303C>T; p.Pro768Leu; c.2219C>T, p.Pro740Leu (NM_001165964.3, NM_001353957.2, NM_001353958.2); c.2303C>T, p.Pro768Leu (NM_001202435.3, NM_001353948.2); c.2270C>T, p.Pro757Leu (NM_001353949.2, NM_001353950.2, NM_001353951.2 and 2 more transcripts); c.2267C>T, p.Pro756Leu (NM_001353954.2, NM_001353955.2); c.2216C>T, p.Pro739Leu (NM_001353960.2); c.-156C>T (NM_001353961.2); and 1 more; short protein forms P757L, P768L, P756L, P739L, P740L.
Identifiers: ClinVar variation 189929 (VCV000189929.13), dbSNP rs794726766, ClinGen allele CA303333.

ClinVar aggregate classification (germline): Likely pathogenic. Review status: reviewed by expert panel (3 of 4 stars). 5 submissions from 5 submitters: Likely pathogenic (1). 4 of the submissions do not count toward it. Last evaluated 2024-05-07.

Conditions:
Early-infantile DEE. Also called: Early infantile epileptic encephalopathy; Early infantile epileptic encephalopathy with suppression bursts; Ohtahara syndrome. Identifiers: Orphanet 1934, MedGen C0393706, MONDO:0800491.
Severe myoclonic epilepsy in infancy (DRVT). Also called: Dravet syndrome; Epileptic encephalopathy, early infantile, 6 (Dravet syndrome); DEVELOPMENTAL AND EPILEPTIC ENCEPHALOPATHY 6A; Severe Myoclonic Epilepsy in Infancy (SMEI); SEVERE MYOCLONIC EPILEPSY OF INFANCY. Identifiers: Orphanet 33069, MedGen C0751122, MONDO:0100135, OMIM 607208.

Submissions (5):

ClinGen Epilepsy Sodium Channel Variant Curation Expert Panel, Clingen
Classification: Likely pathogenic for Severe myoclonic epilepsy in infancy. Last evaluated: 2024-05-07. Review status: reviewed by expert panel. Criteria: ClinGen EpilepsySCN ACMG Specifications SCN1A V1.0.0. Collection method: curation. Allele origin: germline. Inheritance: Autosomal dominant inheritance.
Comment: The c.2303C>T (NM_001165963.4) variant in SCN1A is a missense variant predicted to cause substitution of proline by leucine at amino acid 768 (p.Pro768Leu). This variant has been reported in one patient meeting phenotypic criteria for Dravet syndrome with unknown inheritance (PMID: 35074891; PS4_SUPPORTING) and in another patient also meeting phenotypic criteria for Dravet syndrome as a de novo occurrence with unconfirmed parental relationships (PMID: 20431604; PM6). This variant is absent from gnomAD v2 and v3 (PM2_SUPPORTING). The computational predictor REVEL gives a score of 0.927 which is above the threshold of 0.773 but under 0.932, evidence that correlates with impact to SCN1A function (PMID: 36413997; PP3_MODERATE). In summary, this variant has been classified as likely pathogenic for autosomal dominant Dravet syndrome based on the ACMG/AMP criteria applied, as specified by the Epilepsy Sodium Channel VCEP: PM6, PS4_SUPPORTING, PM2_SUPPORTING, PP3_MODERATE (version 1.0, approved 7/11/23).

GeneDx
Classification: Likely pathogenic. Last evaluated: 2026-08-10. Review status: criteria provided, single submitter. Criteria: GeneDx Variant Classification Process June 2021. Collection method: clinical testing. Allele origin: germline. Not counted in ClinVar's aggregate classification.
Comment: Reported previously in a patient with Dravet syndrome; however, no further clinical or segregation information was provided (PMID: 35074891); Not observed at significant frequency in large population cohorts (gnomAD); In silico analysis supports that this missense variant has a deleterious effect on protein structure/function; This substitution is predicted to be within the cytoplasmic loop between the first and second homologous domains; This variant is associated with the following publications: (PMID: 24168886, 35074891, 19350499)

Labcorp Genetics (formerly Invitae), Labcorp
Classification: Pathogenic for Early-infantile DEE. Last evaluated: 2024-02-23. Review status: criteria provided, single submitter. Criteria: Invitae Variant Classification Sherloc (09022015). Collection method: clinical testing. Allele origin: germline. Not counted in ClinVar's aggregate classification.
Comment: This sequence change replaces proline, which is neutral and non-polar, with leucine, which is neutral and non-polar, at codon 768 of the SCN1A protein (p.Pro768Leu). This variant is not present in population databases (gnomAD no frequency). This missense change has been observed in individual(s) with Dravet syndrome and/or genetic epilepsy with febrile seizures plus (PMID: 19350499; Invitae). In at least one individual the variant was observed to be de novo. ClinVar contains an entry for this variant (Variation ID: 189929). Advanced modeling of protein sequence and biophysical properties (such as structural, functional, and spatial information, amino acid conservation, physicochemical variation, residue mobility, and thermodynamic stability) performed at Invitae indicates that this missense variant is expected to disrupt SCN1A protein function with a positive predictive value of 95%. For these reasons, this variant has been classified as Pathogenic.

Athena Diagnostics
Classification: Likely pathogenic. Last evaluated: 2023-05-04. Review status: criteria provided, single submitter. Criteria: Athena Diagnostics Criteria. Collection method: clinical testing. Allele origin: unknown. Not counted in ClinVar's aggregate classification.
Comment: This variant has not been reported in large, multi-ethnic general populations. Computational tools predict that this variant is damaging.

Center for Bioinformatics, Peking University
Classification: Pathogenic for Dravet syndrome. Last evaluated: 2014-12-20. Review status: criteria provided, single submitter. Criteria: Xu et al. (Hum Mutat. 2015). Collection method: research. Allele origin: de novo. Affected: yes. Observed: 1 variant allele. Study: University Clinical Cooperation “985 Project” PKU-2014-1-1. Not counted in ClinVar's aggregate classification.
Comment: Dravet syndrome (DS) probands were recruited from the outpatient and inpatient child neurology units of Peking University First Hospital from 2005 till present. The study was approved by the Ethics Committee of Peking University First Hospital and the Institutional Review Board at Peking University. Participants or their parents provided written informed consent before enrollment. We collected a total of 267 mutations from 255 families with probands diagnosed with DS in China. All probands fulfilled the clinical diagnostic criteria.

Literature cited by the submitters: PubMed 19350499 (cited by Labcorp Genetics (formerly Invitae), Labcorp and Athena Diagnostics); PubMed 35074891 (cited by Athena Diagnostics); PubMed 26096185 (cited by Athena Diagnostics); PubMed 20431604 (cited by Athena Diagnostics); PubMed 24136861 (cited by Athena Diagnostics); PubMed 30921204 (cited by Athena Diagnostics); PubMed 28864458 (cited by Athena Diagnostics); PubMed 32845893 (cited by Athena Diagnostics).